The following is an entry in ClinVar:

NM_000500.9(CYP21A2):c.59G>A (p.Trp20Ter)

Genes: CYP21A2 (cytochrome P450 family 21 subfamily A member 2; plus strand), LOC106780800 (CYP21A2 recombination region; plus strand). Cytogenetic location: 6p21.33.
Variant type: single nucleotide variant.
Coding change: c.59G>A on transcript NM_000500.9 (MANE Select); coding-DNA position 59, G replaced by A.
Protein change: p.Trp20Ter; replaces tryptophan 20 with a stop codon.
Molecular consequence: nonsense. On other transcripts: 5 prime UTR variant (2).
Genome position (GRCh38, 1-based): chr6:32,038,481, G>A. VCF-style: chr6-32038481-G-A. GRCh37 (hg19) VCF-style: chr6-32006258-G-A.
Other names: c.59G>A, p.Trp20Ter (NM_001128590.4); c.-366G>A (NM_001368143.2); c.-276G>A (NM_001368144.2); short protein forms W20*.
Identifiers: ClinVar variation 3254748 (VCV003254748.1), dbSNP rs72552743.
Genomic context (GRCh38, chr6:32,038,481, plus strand): 5'-CCATGCTGCTCCTGGGCCTGCTGCTGCTGCTGCCCCTGCTGGCTGGCGCCCGCCTGCTGT[G>A]GAACTGGTGGAAGCTCCGGAGCCTCCACCTCCCGCCTCTTGCCCCGGGCTTCTTGCACCT-3'

ClinVar aggregate classification (germline): Pathogenic (1 of 4 stars; one submission).

Conditions:
21-Hydroxylase-Deficient Congenital Adrenal Hyperplasia. Also called: ADRENAL HYPERPLASIA III; ADRENAL HYPERPLASIA, CONGENITAL, DUE TO 21-HYDROXYLASE DEFICIENCY. Identifiers: MedGen C2936858, OMIM 201910.

Allele frequency attached by ClinVar (database versions not stated): gnomAD 0.00001.

Submission:

Victorian Clinical Genetics Services, Murdoch Childrens Research Institute
Classification: Pathogenic for 21-Hydroxylase-Deficient Congenital Adrenal Hyperplasia. Last evaluated: 2023-07-17. Review status: criteria provided, single submitter. Criteria: ACMG Guidelines, 2015. Collection method: clinical testing. Allele origin: germline. Inheritance: Autosomal recessive inheritance. Affected: yes.
Comment: Based on the classification scheme VCGS_Germline_v1.3.4, this variant is classified as Pathogenic. Following criteria are met: 0102 - Loss of function is a known mechanism of disease in this gene and is associated with congenital adrenal hyperplasia due to 21-hydroxylase deficiency (MIM#201910) and nonclassic type hyperandrogenism due to 21-hydroxylase deficiency (MIM#201910). (I) 0106 - This gene is associated with autosomal recessive disease. (I) 0204 - Variant is predicted to result in a truncated protein (premature termination codon is located within the first 102 nucleotides of the coding sequence and is predicted to escape nonsense-mediated decay). (SP) 0251 - This variant is heterozygous. (I) 0304 - Variant is present in gnomAD <0.01 for a recessive condition (v3: c.59G>A with 1 heterozygote, 0 homozygotes; c.60G>A with 3 heterozygotes, 0 homozygotes). (SP) 0801 - This variant has strong previous evidence of pathogenicity in unrelated individuals. This nucleotide change and c.60G>A, both predicted to result in p.(Trp20*), have been reported in multiple unrelated individuals with congenital adrenal hyperplasia (PMIDs: 27185867, 30048636, 30816000), and have been reported as pathogenic by a clinical laboratory (ClinVar). Both nucleotide changes have been listed as pathogenic in the EMQN guideline for molecular genetic testing and reporting of 21-hydroxylase deficiency (PMID: 32616876). c.59G>A has also been reported as in cis with p.(Val282Leu) although that is uncommon (PMID: 27185867). (SP) 1208 - Inheritance information for this variant is not currently available in this individual. (I) Legend: (SP) - Supporting pathogenic, (I) - Information, (SB) - Supporting benign

Literature cited by the submitters: PubMed 27185867; PubMed 30048636; PubMed 30816000; PubMed 32616876.